The following is an entry in ClinVar:

ClinVar aggregate classification (germline): Conflicting classifications of pathogenicity. Review status: criteria provided, conflicting classifications (1 of 4 stars). 4 submissions from 4 submitters: Uncertain significance (1); Benign (1); Likely benign (2). Last evaluated 2025-08-30.

Conditions:
Tuberous sclerosis syndrome (TSC). Also called: Tuberous Sclerosis Complex; Tuberous sclerosis. Identifiers: Orphanet 805, MedGen C0041341, MONDO:0001734.
Tuberous sclerosis 1 (TSC1). Identifiers: Orphanet 805, MedGen C1854465, MONDO:0008612, OMIM 191100.
Hereditary cancer-predisposing syndrome. Also called: Hereditary neoplastic syndrome; Hereditary Cancer Syndrome; Neoplastic Syndromes, Hereditary; Tumor predisposition. Identifiers: Orphanet 140162, MedGen C0027672, MeSH D009386, MONDO:0015356.

Submissions (4):

Labcorp Genetics (formerly Invitae), Labcorp
Classification: Likely benign for Tuberous sclerosis 1. Last evaluated: 2025-08-30. Review status: criteria provided, single submitter. Criteria: Invitae Variant Classification Sherloc (09022015). Collection method: clinical testing. Allele origin: germline.

Myriad Genetics, Inc.
Classification: Benign for Tuberous sclerosis 1. Last evaluated: 2025-04-30. Review status: criteria provided, single submitter. Criteria: Myriad Autosomal Dominant, Autosomal Recessive and X-Linked Classification Criteria (2023). Collection method: clinical testing. Allele origin: unknown.
Comment: This variant is considered benign. This variant is a silent/synonymous amino acid change and it is not expected to impact splicing.

All of Us Research Program, National Institutes of Health
Classification: Uncertain significance for Tuberous sclerosis syndrome. Last evaluated: 2023-06-26. Review status: criteria provided, single submitter. Criteria: ACMG Guidelines, 2015. Collection method: clinical testing. Allele origin: germline. Inheritance: Autosomal dominant inheritance. Observed: 1 variant allele, 1 heterozygote.
Comment: This variant is located in the TSC1 protein. To our knowledge, functional studies have not been reported for this variant. This variant has not been reported in individuals affected with TSC1-related disorders in the literature. This variant has not been identified in the general population by the Genome Aggregation Database (gnomAD). The available evidence is insufficient to determine the role of this variant in disease conclusively. Therefore, this variant is classified as a Variant of Uncertain Significance.

This study involves interpretation of variants in research participants for the purpose of population health screening. Participant phenotype was not available at the time of variant classification. Additional details can be found in publication PMID: 35346344, PMCID: PMC8962531

Ambry Genetics
Classification: Likely benign for Hereditary cancer-predisposing syndrome. Last evaluated: 2022-05-30. Review status: criteria provided, single submitter. Criteria: Ambry Variant Classification Scheme 2023. Collection method: clinical testing. Allele origin: germline.

NM_000368.5(TSC1):c.3399G>T (p.Leu1133=)

Gene: TSC1 (TSC complex subunit 1; minus strand). Cytogenetic location: 9q34.13.
Variant type: single nucleotide variant.
Coding change: c.3399G>T on transcript NM_000368.5 (MANE Select); coding-DNA position 3399, G replaced by T.
Protein change: p.Leu1133=; no amino-acid change (leucine 1133 retained).
Molecular consequence: synonymous variant.
Genome position (GRCh38, 1-based): chr9:132,896,331, C>A on the plus strand (G>T on the coding strand, the complement: TSC1 is on the minus strand). VCF-style: chr9-132896331-C-A. GRCh37 (hg19) VCF-style: chr9-135771718-C-A.
Other names: c.3396G>T, p.Leu1132= (NM_001162426.2); c.3246G>T, p.Leu1082= (NM_001162427.2); c.3036G>T, p.Leu1012= (NM_001362177.2).
Identifiers: ClinVar variation 1603359 (VCV001603359.12), dbSNP rs2131589934, ClinGen allele CA467812918.